The following is an entry in ClinVar:

ClinVar aggregate classification (germline): Uncertain significance (1 of 4 stars; one submission).

Conditions:
Familial meningioma. Also called: Meningioma, familial, susceptibility to. Identifiers: Orphanet 263662, MedGen C3551915, MONDO:0011789, OMIM 607174.

Submission:

Labcorp Genetics (formerly Invitae), Labcorp
Classification: Uncertain significance for Familial meningioma. Last evaluated: 2021-09-09. Review status: criteria provided, single submitter. Criteria: Invitae Variant Classification Sherloc (09022015). Collection method: clinical testing. Allele origin: germline.
Comment: This variant has not been reported in the literature in individuals affected with SMARCE1-related conditions. Algorithms developed to predict the effect of missense changes on protein structure and function are either unavailable or do not agree on the potential impact of this missense change (SIFT: "Deleterious"; PolyPhen-2: "Benign"; Align-GVGD: "Class C35"). In summary, the available evidence is currently insufficient to determine the role of this variant in disease. Therefore, it has been classified as a Variant of Uncertain Significance. This variant is not present in population databases (ExAC no frequency). This sequence change replaces glutamine with arginine at codon 174 of the SMARCE1 protein (p.Gln174Arg). The glutamine residue is highly conserved and there is a small physicochemical difference between glutamine and arginine.

NM_003079.5(SMARCE1):c.521A>G (p.Gln174Arg)

Gene: SMARCE1 (SWI/SNF related BAF chromatin remodeling complex subunit E1; minus strand). Cytogenetic location: 17q21.2.
Variant type: single nucleotide variant.
Coding change: c.521A>G on transcript NM_003079.5 (MANE Select); coding-DNA position 521, A replaced by G.
Protein change: p.Gln174Arg; replaces glutamine 174 with arginine.
Molecular consequence: missense variant.
Genome position (GRCh38, 1-based): chr17:40,635,951, T>C on the plus strand (A>G on the coding strand, the complement: SMARCE1 is on the minus strand). VCF-style: chr17-40635951-T-C. GRCh37 (hg19) VCF-style: chr17-38792203-T-C.
Other names: short protein forms Q174R.
Identifiers: ClinVar variation 1426357 (VCV001426357.6), dbSNP rs2143996031, ClinGen allele CA399366253.
Genomic context (GRCh38, chr17:40,635,951, plus strand): 5'-CAGAGAAAGCATAAACAAAACCCCACTTTTTTTCTTTTACCATCTGGATCTTCAGCAGGC[T>C]GAATGCTCATGTACGGTTCTCCTTTCTCCATGCGAGATTGTCTCTGTCGACTTTCTTCCT-3'
Protein context (NP_003070.3, residues 164-184): MEKGEPYMSI[Gln174Arg]PAEDPDDYDD